The following is an entry in ClinVar:

ClinVar aggregate classification (germline): Uncertain significance (1 of 4 stars; one submission).

Allele frequency attached by ClinVar (database versions not stated): gnomAD exomes below 0.00001.
gnomAD v4.1: 1 of 1,614,184 alleles (0.000062%); highest among the groups gnomAD compares: Non-Finnish European, 0.000085%; no homozygotes.

Submission:

Ambry Genetics
Classification: Uncertain significance. Last evaluated: 2023-05-15. Review status: criteria provided, single submitter. Criteria: Ambry Variant Classification Scheme 2023. Collection method: clinical testing. Allele origin: germline.
Comment: The p.I1074T variant (also known as c.3221T>C), located in coding exon 1 of the MLH3 gene, results from a T to C substitution at nucleotide position 3221. The isoleucine at codon 1074 is replaced by threonine, an amino acid with similar properties. This amino acid position is conserved. In addition, this alteration is predicted to be tolerated by in silico analysis. Since supporting evidence is limited at this time, the clinical significance of this alteration remains unclear.

NM_001040108.2(MLH3):c.3221T>C (p.Ile1074Thr)

Gene: MLH3 (mutL homolog 3; minus strand). Cytogenetic location: 14q24.3.
Variant type: single nucleotide variant.
Coding change: c.3221T>C on transcript NM_001040108.2 (MANE Select); coding-DNA position 3221, T replaced by C.
Protein change: p.Ile1074Thr; replaces isoleucine 1074 with threonine.
Molecular consequence: missense variant.
Genome position (GRCh38, 1-based): chr14:75,046,435, A>G on the plus strand (T>C on the coding strand, the complement: MLH3 is on the minus strand). VCF-style: chr14-75046435-A-G. GRCh37 (hg19) VCF-style: chr14-75513138-A-G.
Other names: c.3221T>C, p.Ile1074Thr (NM_014381.3); short protein forms I1074T.
Identifiers: ClinVar variation 2563565 (VCV002563565.2), dbSNP rs2503251261, ClinGen allele CA390434693.